The following is an entry in ClinVar:

ClinVar aggregate classification (germline): Uncertain significance (1 of 4 stars; one submission).

Allele frequency attached by ClinVar (database versions not stated): gnomAD exomes below 0.00001 and 0.00001; TOPMed 0.00001.
gnomAD v4.1: 5 of 1,614,258 alleles (0.00031%); highest among the groups gnomAD compares: Non-Finnish European, 0.00034%; no homozygotes.

Submission:

Labcorp Genetics (formerly Invitae), Labcorp
Classification: Uncertain significance. Last evaluated: 2021-06-01. Review status: criteria provided, single submitter. Criteria: Invitae Variant Classification Sherloc (09022015). Collection method: clinical testing. Allele origin: germline.
Comment: This sequence change replaces serine with glycine at codon 912 of the TOPORS protein (p.Ser912Gly). The serine residue is moderately conserved and there is a small physicochemical difference between serine and glycine. This variant is not present in population databases (ExAC no frequency). This variant has not been reported in the literature in individuals with TOPORS-related conditions. Algorithms developed to predict the effect of missense changes on protein structure and function (SIFT, PolyPhen-2, Align-GVGD) all suggest that this variant is likely to be tolerated, but these predictions have not been confirmed by published functional studies and their clinical significance is uncertain. In summary, the available evidence is currently insufficient to determine the role of this variant in disease. Therefore, it has been classified as a Variant of Uncertain Significance.

NM_005802.5(TOPORS):c.2734A>G (p.Ser912Gly)

Gene: TOPORS (TOP1 binding arginine/serine rich protein, E3 ubiquitin ligase; minus strand). Cytogenetic location: 9p21.1.
Variant type: single nucleotide variant.
Coding change: c.2734A>G on transcript NM_005802.5 (MANE Select); coding-DNA position 2734, A replaced by G.
Protein change: p.Ser912Gly; replaces serine 912 with glycine.
Molecular consequence: missense variant.
Genome position (GRCh38, 1-based): chr9:32,541,791, T>C on the plus strand (A>G on the coding strand, the complement: TOPORS is on the minus strand). VCF-style: chr9-32541791-T-C. GRCh37 (hg19) VCF-style: chr9-32541789-T-C.
Other names: c.2539A>G, p.Ser847Gly (NM_001195622.2); short protein forms S847G, S912G.
Identifiers: ClinVar variation 1471948 (VCV001471948.8), dbSNP rs1030875959, ClinGen allele CA192358064.